The following is an entry in ClinVar:

NM_001366110.1(PAX4):c.116G>T (p.Arg39Leu)

Gene: PAX4 (paired box 4; minus strand). Cytogenetic location: 7q32.1.
Variant type: single nucleotide variant.
Coding change: c.116G>T on transcript NM_001366110.1 (MANE Select); coding-DNA position 116, G replaced by T.
Protein change: p.Arg39Leu; replaces arginine 39 with leucine.
Molecular consequence: missense variant.
Genome position (GRCh38, 1-based): chr7:127,615,429, C>A on the plus strand (G>T on the coding strand, the complement: PAX4 is on the minus strand). VCF-style: chr7-127615429-C-A. GRCh37 (hg19) VCF-style: chr7-127255483-C-A.
Other names: NM_006193.2:c.92G>T; c.116G>T, p.Arg39Leu (NM_001366111.1); short protein forms R39L.
Identifiers: ClinVar variation 1583240 (VCV001583240.11), dbSNP rs115887120, ClinGen allele CA4468228.
Genomic context (GRCh38, chr7:127,615,429, plus strand): 5'-CCCATCACTGGGTAAAGGTGCTGGCCCATTACCTTAAGGATCCGTGAGATGTCACAGGGC[C>A]GCATTCCACTGACTGCTAGCCGCACAATCTGCTGCCGGGTATCCAGAGGCAGGGGCCGGC-3'
Protein context (NP_001353039.1, residues 29-49): QIVRLAVSGM[Arg39Leu]PCDISRILKV

ClinVar aggregate classification (germline): Likely benign. Review status: criteria provided, multiple submitters, no conflicts (2 of 4 stars). 3 submissions from 3 submitters: Likely benign (2). 1 of the submissions does not count toward it. Last evaluated 2025-08-20.

Conditions:
PAX4-related disorder. Also called: PAX4-related condition.
Maturity-onset diabetes of the young type 9 (MODY9). Identifiers: Orphanet 552, MedGen C2677132, MONDO:0012818, OMIM 612225.
Diabetes mellitus, ketosis-prone (KPD). Identifiers: MedGen C3837958, MONDO:0100180, OMIM 612227.
Type 2 diabetes mellitus. Also called: Type II diabetes mellitus. Identifiers: MedGen C0011860, MeSH D003924, MONDO:0005148, OMIM 125853, HP:0005978.

Allele frequency attached by ClinVar (database versions not stated): 1000 Genomes Project 0.00040; 1000 Genomes Project 30x 0.00047.
gnomAD v4.1: 303 of 1,614,198 alleles (0.019%); highest among the groups gnomAD compares: South Asian, 0.31%; 2 homozygotes.

Submissions (3):

Labcorp Genetics (formerly Invitae), Labcorp
Classification: Likely benign. Last evaluated: 2025-08-20. Review status: criteria provided, single submitter. Criteria: Invitae Variant Classification Sherloc (09022015). Collection method: clinical testing. Allele origin: germline.

Fulgent Genetics
Classification: Likely benign for Type 2 diabetes mellitus; Maturity-onset diabetes of the young type 9; Diabetes mellitus, ketosis-prone. Last evaluated: 2021-09-06. Review status: criteria provided, single submitter. Criteria: ACMG Guidelines, 2015. Collection method: clinical testing. Allele origin: unknown.

PreventionGenetics, part of Exact Sciences
Classification: Likely benign for PAX4-related condition. Last evaluated: 2021-05-18. Review status: no assertion criteria provided. Collection method: clinical testing. Allele origin: germline. Not counted in ClinVar's aggregate classification.
Comment: This variant is classified as likely benign based on ACMG/AMP sequence variant interpretation guidelines (Richards et al. 2015 PMID: 25741868, with internal and published modifications).